The following is an entry in ClinVar:

ClinVar aggregate classification (germline): Uncertain significance. Review status: criteria provided, multiple submitters, no conflicts (2 of 4 stars). 3 submissions from 3 submitters: Uncertain significance (3). Last evaluated 2024-08-06.

Conditions:
BRCA1-related cancer predisposition. Identifiers: MedGen CN377757, MONDO:0700268.
Hereditary cancer-predisposing syndrome. Also called: Neoplastic Syndromes, Hereditary; Tumor predisposition; Hereditary Cancer Syndrome; Hereditary neoplastic syndrome. Identifiers: Orphanet 140162, MedGen C0027672, MeSH D009386, MONDO:0015356.
Hereditary breast ovarian cancer syndrome. Also called: BRCA1- and BRCA2-Associated Hereditary Breast and Ovarian Cancer; Hereditary breast and ovarian cancer syndrome; Hereditary breast and ovarian cancer; Hereditary breast and ovarian cancer syndrome (HBOC); Breast and ovarian cancer; Hereditary breast and/or ovarian cancer syndrome. Identifiers: Orphanet 145, MedGen C0677776, MeSH D061325, MONDO:0003582. Disease mechanism: loss of function.

Allele frequency attached by ClinVar (database versions not stated): gnomAD exomes below 0.00001.
gnomAD v4.1: 2 of 1,614,156 alleles (0.00012%); highest among the groups gnomAD compares: Non-Finnish European, 0.00017%; no homozygotes.

Submissions (3):

All of Us Research Program, National Institutes of Health
Classification: Uncertain significance for BRCA1-related cancer predisposition. Last evaluated: 2024-08-06. Review status: criteria provided, single submitter. Criteria: ACMG Guidelines, 2015. Collection method: clinical testing. Allele origin: germline. Inheritance: Autosomal dominant inheritance. Observed: 2 variant alleles, 2 heterozygotes.
Comment: This missense variant replaces glutamine with glutamic acid at codon 1420 of the BRCA1 protein. Computational prediction suggests that this variant may not impact protein structure and function. To our knowledge, functional studies have not been reported for this variant. This variant has not been reported in individuals affected with BRCA1-related disorders in the literature. This variant has not been identified in the general population by the Genome Aggregation Database (gnomAD). The available evidence is insufficient to determine the role of this variant in disease conclusively. Therefore, this variant is classified as a Variant of Uncertain Significance.

This study involves interpretation of variants in research participants for the purpose of population health screening. Participant phenotype was not available at the time of variant classification. Additional details can be found in publication PMID: 35346344, PMCID: PMC8962531

Ambry Genetics
Classification: Uncertain significance for Hereditary cancer-predisposing syndrome. Last evaluated: 2024-07-24. Review status: criteria provided, single submitter. Criteria: Ambry Variant Classification Scheme 2023. Collection method: clinical testing. Allele origin: germline.
Comment: The p.Q1420E variant (also known as c.4258C>G), located in coding exon 11 of the BRCA1 gene, results from a C to G substitution at nucleotide position 4258. The glutamine at codon 1420 is replaced by glutamic acid, an amino acid with highly similar properties. This amino acid position is well conserved in available vertebrate species. In addition, the in silico prediction for this alteration is inconclusive. Since supporting evidence is limited at this time, the clinical significance of this alteration remains unclear.

Labcorp Genetics (formerly Invitae), Labcorp
Classification: Uncertain significance for Hereditary breast ovarian cancer syndrome. Last evaluated: 2022-04-29. Review status: criteria provided, single submitter. Criteria: Invitae Variant Classification Sherloc (09022015). Collection method: clinical testing. Allele origin: germline.
Comment: This sequence change replaces glutamine, which is neutral and polar, with glutamic acid, which is acidic and polar, at codon 1420 of the BRCA1 protein (p.Gln1420Glu). This variant is not present in population databases (gnomAD no frequency). This variant has not been reported in the literature in individuals affected with BRCA1-related conditions. ClinVar contains an entry for this variant (Variation ID: 230483). Advanced modeling of protein sequence and biophysical properties (such as structural, functional, and spatial information, amino acid conservation, physicochemical variation, residue mobility, and thermodynamic stability) performed at Invitae indicates that this missense variant is not expected to disrupt BRCA1 protein function. In summary, the available evidence is currently insufficient to determine the role of this variant in disease. Therefore, it has been classified as a Variant of Uncertain Significance.

NM_007294.4(BRCA1):c.4258C>G (p.Gln1420Glu)

Gene: BRCA1 (BRCA1 DNA repair associated; minus strand). Cytogenetic location: 17q21.31.
Variant type: single nucleotide variant.
Coding change: c.4258C>G on transcript NM_007294.4 (MANE Select); coding-DNA position 4258, C replaced by G.
Protein change: p.Gln1420Glu; replaces glutamine 1420 with glutamic acid.
Molecular consequence: missense variant. On other transcripts: non-coding transcript variant (1).
Genome position (GRCh38, 1-based): chr17:43,082,503, G>C on the plus strand (C>G on the coding strand, the complement: BRCA1 is on the minus strand). VCF-style: chr17-43082503-G-C. GRCh37 (hg19) VCF-style: chr17-41234520-G-C.
Other names: c.4045C>G, p.Gln1349Glu (NM_001407571.1, NM_001407853.1, NM_001407894.1 and 12 more transcripts); c.4258C>G, p.Gln1420Glu (NM_001407581.1, NM_001407582.1, NM_001407583.1 and 23 more transcripts); c.4255C>G, p.Gln1419Glu (NM_001407587.1, NM_001407590.1, NM_001407591.1 and 21 more transcripts); c.4252C>G, p.Gln1418Glu (NM_001407627.1, NM_001407628.1, NM_001407629.1 and 5 more transcripts); c.4246C>G, p.Gln1416Glu (NM_001407646.1, NM_001407647.1); c.4135C>G, p.Gln1379Glu (NM_001407648.1, NM_001407664.1, NM_001407665.1 and 13 more transcripts); c.4132C>G, p.Gln1378Glu (NM_001407649.1, NM_001407670.1, NM_001407671.1 and 12 more transcripts); c.4180C>G, p.Gln1394Glu (NM_001407653.1, NM_001407654.1, NM_001407655.1 and 2 more transcripts); and 51 more; short protein forms Q1420E, Q1373E, Q317E, Q1309E, Q1350E, Q1352E, Q1353E, Q1377E.
Identifiers: ClinVar variation 230483 (VCV000230483.13), dbSNP rs80357305, ClinGen allele CA10580528.